The following is an entry in ClinVar:

ClinVar aggregate classification (germline): Likely benign (0 of 4 stars; one submission).

Conditions:
ATP2A3-related disorder. Also called: ATP2A3-related condition.

Allele frequency attached by ClinVar (database versions not stated): 1000 Genomes Project 30x 0.00016; 1000 Genomes Project 0.00020; ESP Exome Variant Server 0.00023; gnomAD 0.00057; TOPMed 0.00071; ExAC 0.00073.
gnomAD v4.1: 776 of 1,610,972 alleles (0.048%); highest among the groups gnomAD compares: Admixed American, 0.26%; no homozygotes.

Submission:

PreventionGenetics, part of Exact Sciences
Classification: Likely benign for ATP2A3-related condition. Last evaluated: 2019-03-06. Review status: no assertion criteria provided. Collection method: clinical testing. Allele origin: germline.
Comment: This variant is classified as likely benign based on ACMG/AMP sequence variant interpretation guidelines (Richards et al. 2015 PMID: 25741868, with internal and published modifications).

NM_005173.4(ATP2A3):c.258C>T (p.Thr86=)

Gene: ATP2A3 (ATPase sarcoplasmic/endoplasmic reticulum Ca2+ transporting 3; minus strand). Cytogenetic location: 17p13.2.
Variant type: single nucleotide variant.
Coding change: c.258C>T on transcript NM_005173.4 (MANE Select); coding-DNA position 258, C replaced by T.
Protein change: p.Thr86=; no amino-acid change (threonine 86 retained).
Molecular consequence: synonymous variant.
Genome position (GRCh38, 1-based): chr17:3,951,647, G>A on the plus strand (C>T on the coding strand, the complement: ATP2A3 is on the minus strand). VCF-style: chr17-3951647-G-A. GRCh37 (hg19) VCF-style: chr17-3854941-G-A.
Other names: c.258C>T, p.Thr86= (NM_174953.3, NM_174954.3, NM_174955.3 and 3 more transcripts).
Identifiers: ClinVar variation 3033358 (VCV003033358.2), dbSNP rs140787007, ClinGen allele CA8297677.